The following is an entry in ClinVar:

NM_016204.4(GDF2):c.701G>A (p.Arg234Lys)

Gene: GDF2 (growth differentiation factor 2; plus strand). Cytogenetic location: 10q11.22.
Variant type: single nucleotide variant.
Coding change: c.701G>A on transcript NM_016204.4 (MANE Select); coding-DNA position 701, G replaced by A.
Protein change: p.Arg234Lys; replaces arginine 234 with lysine.
Molecular consequence: missense variant.
Genome position (GRCh38, 1-based): chr10:47,325,195, G>A. VCF-style: chr10-47325195-G-A. GRCh37 (hg19) VCF-style: chr10-48414167-C-T.
Other names: short protein forms R234K.
Identifiers: ClinVar variation 4841638 (VCV004841638.1).

ClinVar aggregate classification (germline): Uncertain significance (1 of 4 stars; one submission).

Conditions:
Cardiovascular phenotype. Identifiers: MedGen CN230736.

gnomAD v4.1: 2 of 1,614,056 alleles (0.00012%); highest among the groups gnomAD compares: South Asian, 0.0011%; no homozygotes.

Submission:

Ambry Genetics
Classification: Uncertain significance for Cardiovascular phenotype. Last evaluated: 2026-01-17. Review status: criteria provided, single submitter. Criteria: Ambry Variant Classification Scheme 2023. Collection method: clinical testing. Allele origin: germline.
Comment: The p.R234K variant (also known as c.701G>A), located in coding exon 2 of the GDF2 gene, results from a G to A substitution at nucleotide position 701. The arginine at codon 234 is replaced by lysine, an amino acid with highly similar properties. This amino acid position is conserved. Based on the available evidence, the clinical significance of this variant remains unclear.